The following is an entry in ClinVar:

ClinVar aggregate classification (germline): Uncertain significance. Review status: criteria provided, multiple submitters, no conflicts (2 of 4 stars). 2 submissions from 2 submitters: Uncertain significance (2). Last evaluated 2025-03-27.

Conditions:
TMEM67-related disorder. Also called: TMEM67-related condition; TMEM67-related disorders. Identifiers: MedGen CN239423.
Nephronophthisis 11 (NPHP11). Identifiers: Orphanet 84081, MedGen C3150796, MONDO:0013302, OMIM 613550.
RHYNS syndrome. Also called: RETINITIS PIGMENTOSA SYNDROME; RETINITIS PIGMENTOSA, HYPOPITUITARISM, NEPHRONOPHTHISIS, AND MILD SKELETAL DYSPLASIA. Identifiers: Orphanet 140976, MedGen C1865794, MONDO:0011202, OMIM 602152.
COACH syndrome 1. Identifiers: Orphanet 1454, MedGen C5435651, MONDO:0800103, OMIM 216360, MONDO:0008996.
Joubert syndrome 6 (JBTS6). Identifiers: Orphanet 475, MedGen C1853153, MONDO:0012539, OMIM 610688.
Meckel syndrome, type 3 (MKS3). Also called: MECKEL-GRUBER SYNDROME, TYPE 3. Identifiers: Orphanet 564, MedGen C1846357, MONDO:0011821, OMIM 607361.
Bardet-Biedl syndrome 14 (BBS14). Identifiers: Orphanet 110, MedGen C2673874, MONDO:0014442, OMIM 615991.

Submissions (2):

PreventionGenetics, part of Exact Sciences
Classification: Uncertain significance for TMEM67-related condition. Last evaluated: 2025-03-27. Review status: criteria provided, single submitter. Criteria: ACMG Guidelines, 2015. Collection method: clinical testing. Allele origin: germline.
Comment: The TMEM67 c.1940A>G variant is predicted to result in the amino acid substitution p.Lys647Arg. To our knowledge, this variant has not been reported in the literature or in a large population database (gnomAD), indicating this variant is rare. At this time, the clinical significance of this variant is uncertain due to the absence of conclusive functional and genetic evidence.

Fulgent Genetics
Classification: Uncertain significance for COACH syndrome 1; RHYNS syndrome; Meckel syndrome, type 3; Joubert syndrome 6; Nephronophthisis 11; Bardet-Biedl syndrome 14. Last evaluated: 2024-02-12. Review status: criteria provided, single submitter. Criteria: ACMG Guidelines, 2015. Collection method: clinical testing. Allele origin: germline.

NM_153704.6(TMEM67):c.1940A>G (p.Lys647Arg)

Gene: TMEM67 (transmembrane protein 67; plus strand). Cytogenetic location: 8q22.1.
Variant type: single nucleotide variant.
Coding change: c.1940A>G on transcript NM_153704.6 (MANE Select); coding-DNA position 1940, A replaced by G.
Protein change: p.Lys647Arg; replaces lysine 647 with arginine.
Molecular consequence: missense variant. On other transcripts: non-coding transcript variant (1).
Genome position (GRCh38, 1-based): chr8:93,797,213, A>G. VCF-style: chr8-93797213-A-G. GRCh37 (hg19) VCF-style: chr8-94809441-A-G.
Other names: c.1697A>G, p.Lys566Arg (NM_001142301.1); short protein forms K566R, K647R.
Identifiers: ClinVar variation 3595989 (VCV003595989.2).